The following is an entry in ClinVar:

NM_000059.4(BRCA2):c.2883G>A (p.Gln961=)

Gene: BRCA2 (BRCA2 DNA repair associated; plus strand). Cytogenetic location: 13q13.1.
Variant type: single nucleotide variant.
Coding change: c.2883G>A on transcript NM_000059.4 (MANE Select); coding-DNA position 2883, G replaced by A.
Protein change: p.Gln961=; no amino-acid change (glutamine 961 retained).
Molecular consequence: synonymous variant.
Genome position (GRCh38, 1-based): chr13:32,337,238, G>A. VCF-style: chr13-32337238-G-A. GRCh37 (hg19) VCF-style: chr13-32911375-G-A.
Other names: Q961Q; NP_000050.3:p.Gln961=; 3111G>A.
Identifiers: ClinVar variation 51366 (VCV000051366.115), dbSNP rs11571655, ClinGen allele CA016678.

ClinVar aggregate classification (germline): Benign. Review status: reviewed by expert panel (3 of 4 stars). 34 submissions from 33 submitters: Benign (1). 33 of the submissions do not count toward it. Last evaluated 2017-06-29.

Conditions:
Breast and/or ovarian cancer. Identifiers: MedGen CN221562.
Hereditary cancer-predisposing syndrome. Also called: Neoplastic Syndromes, Hereditary; Tumor predisposition; Hereditary Cancer Syndrome; Hereditary neoplastic syndrome. Identifiers: Orphanet 140162, MedGen C0027672, MeSH D009386, MONDO:0015356.
Hereditary breast ovarian cancer syndrome. Also called: Hereditary breast and/or ovarian cancer syndrome; Hereditary breast and ovarian cancer syndrome; Hereditary breast and ovarian cancer; Hereditary breast and ovarian cancer syndrome (HBOC); Breast and ovarian cancer; BRCA1- and BRCA2-Associated Hereditary Breast and Ovarian Cancer. Identifiers: Orphanet 145, MedGen C0677776, MeSH D061325, MONDO:0003582. Disease mechanism: loss of function.
Fanconi anemia complementation group D1. Also called: BRCA2-Related Fanconi Anemia. Identifiers: Orphanet 319462, MedGen C1838457, MONDO:0011584, OMIM 605724.
Breast-ovarian cancer, familial, susceptibility to, 2 (BROVCA2). Also called: BRCA2 Hereditary Breast and Ovarian Cancer. Identifiers: Orphanet 145, MedGen C2675520, MONDO:0012933, OMIM 612555. Disease mechanism: loss of function.

Allele frequency attached by ClinVar (database versions not stated): TOPMed 0.00092; gnomAD 0.00097 and 0.00090; 1000 Genomes Project 30x 0.00016; 1000 Genomes Project 0.00020; ExAC 0.00079; gnomAD exomes 0.00085 and 0.00167; ESP Exome Variant Server 0.00131.
gnomAD v4.1: 2,503 of 1,611,840 alleles (0.16%); highest among the groups gnomAD compares: Non-Finnish European, 0.2%; 3 homozygotes.

Submissions 1 to 22 of 34:

Evidence-based Network for the Interpretation of Germline Mutant Alleles (ENIGMA)
Classification: Benign for Breast-ovarian cancer, familial, susceptibility to, 2. Last evaluated: 2017-06-29. Review status: reviewed by expert panel. Criteria: ENIGMA BRCA1/2 Classification Criteria (2017-06-29). Collection method: curation. Allele origin: germline.
Comment: Synonymous substitution variant, with low bioinformatic likelihood to alter mRNA splicing (splicing prior 0.02) and frequency 0.0012 (Non-Finnish European), derived from ExAC (2014-12-17).

CeGaT Center for Human Genetics Tuebingen
Classification: Likely benign. Last evaluated: 2026-08-01. Review status: criteria provided, single submitter. Criteria: CeGaT Center For Human Genetics Tuebingen Variant Classification Criteria Version 2. Collection method: clinical testing. Allele origin: germline. Affected: yes. Observed: 25 variant alleles. Not counted in ClinVar's aggregate classification.
Comment: BRCA2: BP4, BP7

Labcorp Genetics (formerly Invitae), Labcorp
Classification: Benign for Hereditary breast ovarian cancer syndrome. Last evaluated: 2026-02-03. Review status: criteria provided, single submitter. Criteria: Invitae Variant Classification Sherloc (09022015). Collection method: clinical testing. Allele origin: germline. Not counted in ClinVar's aggregate classification.

ARUP Laboratories, Molecular Genetics and Genomics, ARUP Laboratories
Classification: Benign. Last evaluated: 2025-07-07. Review status: criteria provided, single submitter. Criteria: ARUP Molecular Germline Variant Investigation Process 2024. Collection method: clinical testing. Allele origin: germline. Not counted in ClinVar's aggregate classification.

Center for Genomic Medicine, Rigshospitalet, Copenhagen University Hospital
Classification: Benign. Last evaluated: 2025-03-04. Review status: criteria provided, single submitter. Criteria: ACMG Guidelines, 2015. Collection method: clinical testing. Allele origin: germline. Not counted in ClinVar's aggregate classification.

Laboratory of Genetics, Children's Clinical University Hospital Latvia
Classification: Likely benign. Last evaluated: 2025-02-16. Review status: criteria provided, single submitter. Criteria: ACMG Guidelines, 2015. Collection method: clinical testing. Allele origin: germline. Affected: yes. Not counted in ClinVar's aggregate classification.

Blueprint Genetics
Classification: Likely benign. Last evaluated: 2024-11-26. Review status: criteria provided, single submitter. Criteria: ACMG Guidelines, 2015. Collection method: clinical testing. Allele origin: germline. Not counted in ClinVar's aggregate classification.

Mayo Clinic Laboratories, Mayo Clinic
Classification: Benign. Last evaluated: 2024-03-13. Review status: criteria provided, single submitter. Criteria: ACMG Guidelines, 2015. Collection method: clinical testing. Allele origin: germline. Observed: 16 variant alleles. Not counted in ClinVar's aggregate classification.
Comment: BA1, BP1_strong

CHEO Genetics Diagnostic Laboratory, Children's Hospital of Eastern Ontario
Classification: Likely benign for Breast and/or ovarian cancer. Last evaluated: 2023-06-21. Review status: criteria provided, single submitter. Criteria: ACMG Guidelines, 2015. Collection method: clinical testing. Allele origin: germline. Not counted in ClinVar's aggregate classification.

National Health Laboratory Service, Universitas Academic Hospital and University of the Free State
Classification: Likely benign for Hereditary breast ovarian cancer syndrome. Last evaluated: 2021-11-16. Review status: criteria provided, single submitter. Criteria: ACMG Guidelines, 2015. Collection method: clinical testing. Allele origin: germline. Affected: yes. Observed: 1 variant allele. Not counted in ClinVar's aggregate classification.

Institute for Clinical Genetics, University Hospital TU Dresden, University Hospital TU Dresden
Classification: Benign. Last evaluated: 2021-11-03. Review status: criteria provided, single submitter. Criteria: ACMG Guidelines, 2015. Collection method: clinical testing. Allele origin: germline. Not counted in ClinVar's aggregate classification.

Sema4
Classification: Likely benign for Hereditary cancer-predisposing syndrome. Last evaluated: 2021-02-19. Review status: criteria provided, single submitter. Criteria: Sema4 Curation Guidelines. Collection method: curation. Allele origin: germline. Not counted in ClinVar's aggregate classification.

Mendelics
Classification: Likely benign for Breast-ovarian cancer, familial, susceptibility to, 2. Last evaluated: 2019-05-28. Review status: criteria provided, single submitter. Criteria: Mendelics Assertion Criteria 2017. Collection method: clinical testing. Allele origin: unknown. Not counted in ClinVar's aggregate classification.

Illumina Laboratory Services, Illumina
Classification: Likely benign for Breast-ovarian cancer, familial, susceptibility to, 2. Last evaluated: 2018-05-31. Review status: criteria provided, single submitter. Criteria: ICSL Variant Classification Criteria 13 December 2019. Collection method: clinical testing. Allele origin: germline. Not counted in ClinVar's aggregate classification.
Comment: This variant was observed as part of a predisposition screen in an ostensibly healthy population. A literature search was performed for the gene, cDNA change, and amino acid change (where applicable). Publications were found based on this search. The evidence from the literature, in combination with allele frequency data from public databases where available, was sufficient to determine this variant is unlikely to cause disease. Therefore, this variant is classified as likely benign.

Illumina Laboratory Services, Illumina
Classification: Likely benign for Fanconi anemia complementation group D1. Last evaluated: 2018-05-31. Review status: criteria provided, single submitter. Criteria: ICSL Variant Classification Criteria 13 December 2019. Collection method: clinical testing. Allele origin: germline. Not counted in ClinVar's aggregate classification.
Comment: This variant was observed as part of a predisposition screen in an ostensibly healthy population. A literature search was performed for the gene, cDNA change, and amino acid change (where applicable). No publications were found based on this search. Allele frequency data from public databases allowed determination this variant is unlikely to cause disease. Therefore, this variant is classified as likely benign.

Genome Diagnostics Laboratory, University Medical Center Utrecht
Classification: Likely benign for Breast-ovarian cancer, familial, susceptibility to, 2. Last evaluated: 2017-07-28. Review status: criteria provided, single submitter. Criteria: ACGS Guidelines, 2013. Collection method: clinical testing. Allele origin: germline. Affected: yes. Study: VKGL Data-share Consensus. Not counted in ClinVar's aggregate classification.

PreventionGenetics, part of Exact Sciences
Classification: Likely benign. Last evaluated: 2017-04-28. Review status: criteria provided, single submitter. Criteria: ACMG Guidelines, 2015. Collection method: clinical testing. Allele origin: germline. Not counted in ClinVar's aggregate classification.

Department of Pathology and Molecular Medicine, Queen's University
Classification: Likely benign. Last evaluated: 2017-04-20. Review status: criteria provided, single submitter. Criteria: ACMG Guidelines, 2015. Collection method: clinical testing. Allele origin: germline. Study: The Canadian Open Genetics Repository (COGR). Not counted in ClinVar's aggregate classification.

Genetic Services Laboratory, University of Chicago
Classification: Likely benign. Last evaluated: 2017-03-29. Review status: criteria provided, single submitter. Criteria: ACMG Guidelines, 2015. Collection method: clinical testing. Allele origin: germline. Affected: no. Not counted in ClinVar's aggregate classification.

Institute for Biomarker Research, Medical Diagnostic Laboratories, L.L.C.
Classification: Likely benign for Hereditary breast and ovarian cancer syndrome(HBOC). Last evaluated: 2017-02-14. Review status: criteria provided, single submitter. Criteria: ACMG Guidelines, 2015. Collection method: clinical testing. Allele origin: germline. Not counted in ClinVar's aggregate classification.

Clinical Genetics DNA and cytogenetics Diagnostics Lab, Erasmus MC, Erasmus Medical Center
Classification: Likely benign for Breast-ovarian cancer, familial, susceptibility to, 2. Last evaluated: 2015-09-21. Review status: criteria provided, single submitter. Criteria: ACGS Guidelines, 2013. Collection method: clinical testing. Allele origin: germline. Affected: yes. Study: VKGL Data-share Consensus. Not counted in ClinVar's aggregate classification.

Color Diagnostics, LLC DBA Color Health
Classification: Benign for Hereditary cancer-predisposing syndrome. Last evaluated: 2015-04-01. Review status: criteria provided, single submitter. Criteria: ACMG Guidelines, 2015. Collection method: clinical testing. Allele origin: germline. Not counted in ClinVar's aggregate classification.